The following is an entry in ClinVar:

NM_000852.4(GSTP1):c.336+79_336+80delinsCA

Gene: GSTP1 (glutathione S-transferase pi 1; plus strand). Cytogenetic location: 11q13.2.
Variant type: Indel.
Coding change: c.336+79_336+80delinsCA on transcript NM_000852.4 (MANE Select); bases 79 to 80 of the intron after coding-DNA position 336, TC replaced by CA.
Molecular consequence: intron variant.
Genome position (GRCh38, 1-based): chr11:67,585,320-67,585,321, TC replaced by CA. VCF-style: chr11-67585320-TC-CA. GRCh37 (hg19) VCF-style: chr11-67352791-TC-CA.
Identifiers: ClinVar variation 496691 (VCV000496691.4), dbSNP rs1555022268, ClinGen allele CA658821155.

ClinVar aggregate classification (germline): Likely pathogenic (0 of 4 stars; one submission).

Conditions:
Kala-azar susceptibility 2 (KAZA2). Also called: KALA-AZAR, SUSCEPTIBILITY TO, 2; LEISHMANIASIS, VISCERAL, SUSCEPTIBILITY TO, 2. Identifiers: MedGen C1969649, MONDO:0012660, OMIM 611381.

Submission:

Research Laboratory, University Department of Zoology, Vinoba Bhave University
Classification: Likely pathogenic for Kala-azar susceptibility 2. Last evaluated: 2017-09-14. Review status: no assertion criteria provided. Collection method: research. Allele origin: not applicable. Inheritance: Genetic anticipation.
Comment: Novel Mutation Observed i.e. Change in Coding frame (Ser122Gln) and in nucleotide (TC to CA) in Exon-5 of GSTP1 gene in Clinical Isolates of Visceral Leishmaniasis from Endemic Population of India has certainly a clinical relevance. We have yet to ascertain the exact functional and clinical relevance but we found two important finding in terms of clinical significance. Firstly, observed frame shift mutation (changing the protein sequence (S to Q amino acid) and also double mutation in nucleotide i.e. TC to CA position in addition to investigated and known mutation Ile105Val (G to A) and have shown very strong genetic association (OR=5.1; p=0.008) with primary infection and reasonably strong genetic association (OR=3.2; p=0.04) with relapse infection in endemic population. However, we are in a process to investigate in larger sample size. Secondly, this observation may serve as clinico-epidemiological marker for prospective diagnostic marker in due course of time in addition to existing molecular markers.